The following is an entry in ClinVar:

ClinVar aggregate classification (germline): Uncertain significance. Review status: criteria provided, multiple submitters, no conflicts (2 of 4 stars). 2 submissions from 2 submitters: Uncertain significance (2). Last evaluated 2026-03-10.

Conditions:
Wilms tumor 1 (WT1). Also called: Wilms tumor, somatic. Identifiers: Orphanet 654, MedGen CN033288, MONDO:0008679, OMIM 194070.
11p partial monosomy syndrome (WAGR). Also called: CHROMOSOME 11p13 DELETION SYNDROME; WAGR syndrome; WAGR Spectrum Disorder; WAGR Complex. Identifiers: Orphanet 893, MedGen C0206115, MONDO:0008681, OMIM 194072.
Drash syndrome (DDS). Also called: NEPHROPATHY, WILMS TUMOR, AND GENITAL ANOMALIES; WILMS TUMOR AND PSEUDO- OR TRUE HERMAPHRODITISM. Identifiers: Orphanet 220, MedGen C0950121, MONDO:0008682, OMIM 194080.
Frasier syndrome. Identifiers: Orphanet 347, MedGen C0950122, MeSH D052159, MONDO:0007635, OMIM 136680.
Inborn genetic diseases. Identifiers: MedGen C0950123, MeSH D030342.

Submissions (2):

Ambry Genetics
Classification: Uncertain significance for Inborn genetic diseases. Last evaluated: 2026-03-10. Review status: criteria provided, single submitter. Criteria: Ambry Variant Classification Scheme 2023. Collection method: clinical testing. Allele origin: germline.
Comment: The p.N334D variant (also known as c.1000A>G), located in coding exon 5 of the WT1 gene, results from an A to G substitution at nucleotide position 1000. The asparagine at codon 334 is replaced by aspartic acid, an amino acid with highly similar properties. This amino acid position is conserved. In addition, this alteration is predicted to be tolerated by in silico analysis. Based on the available evidence, the clinical significance of this variant remains unclear.

Labcorp Genetics (formerly Invitae), Labcorp
Classification: Uncertain significance for Wilms tumor 1; Drash syndrome; 11p partial monosomy syndrome; Frasier syndrome. Last evaluated: 2019-11-10. Review status: criteria provided, single submitter. Criteria: Invitae Variant Classification Sherloc (09022015). Collection method: clinical testing. Allele origin: germline.
Comment: In summary, the available evidence is currently insufficient to determine the role of this variant in disease. Therefore, it has been classified as a Variant of Uncertain Significance. Algorithms developed to predict the effect of missense changes on protein structure and function (SIFT, PolyPhen-2, Align-GVGD) all suggest that this variant is likely to be tolerated, but these predictions have not been confirmed by published functional studies and their clinical significance is uncertain. This variant has not been reported in the literature in individuals with WT1-related conditions. This variant is not present in population databases (ExAC no frequency). This sequence change replaces asparagine with aspartic acid at codon 334 of the WT1 protein (p.Asn334Asp). The asparagine residue is moderately conserved and there is a small physicochemical difference between asparagine and aspartic acid.

NM_024426.6(WT1):c.1015A>G (p.Asn339Asp)

Gene: WT1 (WT1 transcription factor; minus strand). Cytogenetic location: 11p13.
Variant type: single nucleotide variant.
Coding change: c.1015A>G on transcript NM_024426.6 (MANE Select); coding-DNA position 1015, A replaced by G.
Protein change: p.Asn339Asp; replaces asparagine 339 with aspartic acid.
Molecular consequence: missense variant. On other transcripts: non-coding transcript variant (1), intron variant (2).
Genome position (GRCh38, 1-based): chr11:32,416,491, T>C on the plus strand (A>G on the coding strand, the complement: WT1 is on the minus strand). VCF-style: chr11-32416491-T-C. GRCh37 (hg19) VCF-style: chr11-32438037-T-C.
Other names: c.1015A>G, p.Asn339Asp (NM_001407044.1, NM_001407046.1, NM_024424.5); c.892A>G, p.Asn298Asp (NM_001407047.1); c.253A>G, p.Asn85Asp (NM_001407051.1); c.965+1086A>G (NM_000378.6); c.314+1086A>G (NM_001198552.2); c.364A>G, p.Asn122Asp (NM_001198551.2); short protein forms N122D, N339D, N334D, N298D, N85D.
Identifiers: ClinVar variation 834585 (VCV000834585.12), dbSNP rs1852674511, ClinGen allele CA379961646.